The following is an entry in ClinVar:

ClinVar aggregate classification (germline): Benign/Likely benign. Review status: criteria provided, multiple submitters, no conflicts (2 of 4 stars). 11 submissions from 8 submitters: Benign (5); Likely benign (6). Last evaluated 2026-09-21.

Conditions:
TTN-related disorder. Also called: TTN-related disorders; TTN-related condition; TTN-related disease.
Autosomal recessive limb-girdle muscular dystrophy type 2J (LGMDR10). Also called: Limb-girdle muscular dystrophy, type 2J; MUSCULAR DYSTROPHY, LIMB-GIRDLE, AUTOSOMAL RECESSIVE 10. Identifiers: Orphanet 140922, MedGen C1837342, MONDO:0012127, OMIM 608807.
Dilated cardiomyopathy 1G (CMD1G). Identifiers: Orphanet 154, MedGen C1858763, MONDO:0011400, OMIM 604145.
Early-onset myopathy with fatal cardiomyopathy (CMYO5). Also called: Salih Myopathy; CONGENITAL MYOPATHY 5 WITH CARDIOMYOPATHY. Identifiers: Orphanet 289377, MedGen C2673677, MONDO:0012714, OMIM 611705. Disease mechanism: loss of function.
Myopathy, myofibrillar, 9, with early respiratory failure (MFM9). Also called: Hereditary myopathy with early respiratory failure; MYOPATHY, PROXIMAL, WITH EARLY RESPIRATORY MUSCLE INVOLVEMENT; EDSTROM MYOPATHY; Myopathy, distal, with early respiratory failure, autosomal dominant. Identifiers: Orphanet 178464, Orphanet 34521, MedGen C1863599, MONDO:0011362, OMIM 603689.
Cardiovascular phenotype. Identifiers: MedGen CN230736.
Tibial muscular dystrophy (TMD). Also called: UDD MYOPATHY; Udd Distal Myopathy – Tibial Muscular Dystrophy; Tibial muscular dystrophy, tardive. Identifiers: Orphanet 609, MedGen C1838244, MONDO:0010870, OMIM 600334.

Allele frequency attached by ClinVar (database versions not stated): TOPMed 0.00014; ExAC 0.00033; 1000 Genomes Project 30x 0.00094; gnomAD 0.00005 and 0.00010; 1000 Genomes Project 0.00080; gnomAD exomes 0.00035.
gnomAD v4.1: 167 of 1,613,940 alleles (0.01%); highest among the groups gnomAD compares: East Asian, 0.21%; no homozygotes.

Submissions (11):

Molecular Diagnostic Laboratory for Inherited Cardiovascular Disease, Montreal Heart Institute
Classification: Likely benign. Last evaluated: 2026-09-21. Review status: criteria provided, single submitter. Criteria: ACMG Guidelines, 2015. Collection method: clinical testing. Allele origin: germline. Affected: no.
Comment: BS1;BP7

PreventionGenetics, part of Exact Sciences
Classification: Likely benign for TTN-related condition. Last evaluated: 2026-09-07. Review status: criteria provided, single submitter. Criteria: ACMG Guidelines, 2015. Collection method: clinical testing. Allele origin: germline.
Comment: This variant is classified as likely benign based on ACMG/AMP sequence variant interpretation guidelines (Richards et al. 2015 PMID: 25741868, with internal and published modifications).

Labcorp Genetics (formerly Invitae), Labcorp
Classification: Benign for Dilated cardiomyopathy 1G; Autosomal recessive limb-girdle muscular dystrophy type 2J. Last evaluated: 2025-12-31. Review status: criteria provided, single submitter. Criteria: Invitae Variant Classification Sherloc (09022015). Collection method: clinical testing. Allele origin: germline.

Blueprint Genetics
Classification: Likely benign. Last evaluated: 2023-10-02. Review status: criteria provided, single submitter. Criteria: ACMG Guidelines, 2015. Collection method: clinical testing. Allele origin: germline.

Genome-Nilou Lab
Classification: Benign for Autosomal recessive limb-girdle muscular dystrophy type 2J. Last evaluated: 2021-09-10. Review status: criteria provided, single submitter. Criteria: ACMG Guidelines, 2015. Collection method: clinical testing. Allele origin: germline. Affected: no.

Genome-Nilou Lab
Classification: Benign for Myopathy, myofibrillar, 9, with early respiratory failure. Last evaluated: 2021-09-10. Review status: criteria provided, single submitter. Criteria: ACMG Guidelines, 2015. Collection method: clinical testing. Allele origin: germline. Affected: no.

Genome-Nilou Lab
Classification: Benign for Early-onset myopathy with fatal cardiomyopathy. Last evaluated: 2021-09-10. Review status: criteria provided, single submitter. Criteria: ACMG Guidelines, 2015. Collection method: clinical testing. Allele origin: germline. Affected: no.

Genome-Nilou Lab
Classification: Benign for Tibial muscular dystrophy. Last evaluated: 2021-09-10. Review status: criteria provided, single submitter. Criteria: ACMG Guidelines, 2015. Collection method: clinical testing. Allele origin: germline. Affected: no.

GeneDx
Classification: Likely benign. Last evaluated: 2020-12-03. Review status: criteria provided, single submitter. Criteria: GeneDx Variant Classification Process June 2021. Collection method: clinical testing. Allele origin: germline. Affected: yes.

Laboratory for Molecular Medicine, Mass General Brigham Personalized Medicine
Classification: Likely benign. Last evaluated: 2015-03-18. Review status: criteria provided, single submitter. Criteria: LMM Criteria. Collection method: clinical testing. Allele origin: germline. Observed: 1 variant allele.
Comment: p.Asp3173Asp in exon 41 of TTN: This variant is not expected to have clinical si gnificance because it does not alter an amino acid residue and is not located wi thin the splice consensus sequence. It has been identified in 0.4% (30/8582) of East Asian chromosomes by the Exome Aggregation Consortium (ExAC; dbSNP rs151129843).

Ambry Genetics
Classification: Likely benign for Cardiovascular phenotype. Last evaluated: 2013-05-09. Review status: criteria provided, single submitter. Criteria: Ambry Autosomal Dominant and X-Linked criteria (10/2015). Collection method: clinical testing. Allele origin: germline. Observed: 1 variant allele.

NM_001267550.2(TTN):c.9519C>T (p.Asp3173=)

Gene: TTN (titin; minus strand). Cytogenetic location: 2q31.2.
Variant type: single nucleotide variant.
Coding change: c.9519C>T on transcript NM_001267550.2 (MANE Select); coding-DNA position 9519, C replaced by T.
Protein change: p.Asp3173=; no amino-acid change (aspartic acid 3173 retained).
Molecular consequence: synonymous variant.
Genome position (GRCh38, 1-based): chr2:178,766,565, G>A on the plus strand (C>T on the coding strand, the complement: TTN is on the minus strand). VCF-style: chr2-178766565-G-A. GRCh37 (hg19) VCF-style: chr2-179631292-G-A.
Other names: c.9519C>T, p.Asp3173= (NM_001256850.1, NM_133378.4, NM_133379.5); c.9381C>T, p.Asp3127= (NM_003319.4, NM_133432.3, NM_133437.4).
Identifiers: ClinVar variation 228178 (VCV000228178.24), dbSNP rs151129843, ClinGen allele CA2004297.